The following is an entry in ClinVar:

ClinVar aggregate classification (germline): Uncertain significance. Review status: criteria provided, multiple submitters, no conflicts (2 of 4 stars). 2 submissions from 2 submitters: Uncertain significance (2). Last evaluated 2026-08-23.

Conditions:
Inborn genetic diseases. Identifiers: MedGen C0950123, MeSH D030342.

Submissions (2):

Ambry Genetics
Classification: Uncertain significance for Inborn genetic diseases. Last evaluated: 2026-08-23. Review status: criteria provided, single submitter. Criteria: Ambry Variant Classification Scheme 2023. Collection method: clinical testing. Allele origin: germline.

GeneDx
Classification: Uncertain significance. Last evaluated: 2025-02-05. Review status: criteria provided, single submitter. Criteria: GeneDx Variant Classification Process June 2021. Collection method: clinical testing. Allele origin: germline. Affected: yes.
Comment: Not observed at significant frequency in large population cohorts (gnomAD); In silico analysis indicates that this missense variant does not alter protein structure/function; Has not been previously published as pathogenic or benign to our knowledge

NM_001759.4(CCND2):c.588G>A (p.Met196Ile)

Gene: CCND2 (cyclin D2; plus strand). Cytogenetic location: 12p13.32.
Variant type: single nucleotide variant.
Coding change: c.588G>A on transcript NM_001759.4 (MANE Select); coding-DNA position 588, G replaced by A.
Protein change: p.Met196Ile; replaces methionine 196 with isoleucine.
Molecular consequence: missense variant.
Genome position (GRCh38, 1-based): chr12:4,288,858, G>A. VCF-style: chr12-4288858-G-A. GRCh37 (hg19) VCF-style: chr12-4398024-G-A.
Other names: short protein forms M196I.
Identifiers: ClinVar variation 2504353 (VCV002504353.3), dbSNP rs1864058667, ClinGen allele CA383412160.